The following is an entry in ClinVar:

ClinVar aggregate classification (germline): Uncertain significance (1 of 4 stars; one submission).

Allele frequency attached by ClinVar (database versions not stated): gnomAD exomes below 0.00001.
gnomAD v4.1: 1 of 1,179,668 alleles (0.000085%); highest among the groups gnomAD compares: Non-Finnish European, 0.00011%; no homozygotes.

Submission:

CeGaT Center for Human Genetics Tuebingen
Classification: Uncertain significance. Last evaluated: 2023-02-01. Review status: criteria provided, single submitter. Criteria: CeGaT Center For Human Genetics Tuebingen Variant Classification Criteria Version 2. Collection method: clinical testing. Allele origin: germline. Affected: yes. Observed: 1 variant allele.
Comment: SLC9A7: PM2, PP3

NM_001257291.2(SLC9A7):c.1834C>T (p.Pro612Ser)

Gene: SLC9A7 (solute carrier family 9 member A7; minus strand). Cytogenetic location: Xp11.3.
Variant type: single nucleotide variant.
Coding change: c.1834C>T on transcript NM_001257291.2 (MANE Select); coding-DNA position 1834, C replaced by T.
Protein change: p.Pro612Ser; replaces proline 612 with serine.
Molecular consequence: missense variant.
Genome position (GRCh38, 1-based): chrX:46,613,384, G>A on the plus strand (C>T on the coding strand, the complement: SLC9A7 is on the minus strand). VCF-style: chrX-46613384-G-A. GRCh37 (hg19) VCF-style: chrX-46472819-G-A.
Other names: c.1831C>T, p.Pro611Ser (NM_032591.3); short protein forms P611S, P612S.
Identifiers: ClinVar variation 2499132 (VCV002499132.28), dbSNP rs2519354812, ClinGen allele CA413033527.